The following is an entry in ClinVar:

NM_004738.5(VAPB):c.443C>G (p.Thr148Arg)

Gene: VAPB (VAMP associated protein B and C; plus strand). Cytogenetic location: 20q13.32.
Variant type: single nucleotide variant.
Coding change: c.443C>G on transcript NM_004738.5 (MANE Select); coding-DNA position 443, C replaced by G.
Protein change: p.Thr148Arg; replaces threonine 148 with arginine.
Molecular consequence: missense variant. On other transcripts: non-coding transcript variant (1), intron variant (1).
Genome position (GRCh38, 1-based): chr20:58,440,953, C>G. VCF-style: chr20-58440953-C-G. GRCh37 (hg19) VCF-style: chr20-57016009-C-G.
Other names: c.212-3124C>G (NM_001195677.2); short protein forms T148R.
Identifiers: ClinVar variation 3759812 (VCV003759812.2).

ClinVar aggregate classification (germline): Uncertain significance (1 of 4 stars; one submission).

Conditions:
Adult-onset proximal spinal muscular atrophy, autosomal dominant. Also called: Spinal muscular atrophy, late-onset, finkel type; FINKEL LATE-ADULT TYPE SMA. Identifiers: Orphanet 209335, MedGen C1854058, MONDO:0008453, OMIM 182980.
Amyotrophic lateral sclerosis type 8 (ALS8). Identifiers: Orphanet 803, MedGen C1837728, MONDO:0012077, OMIM 608627.

Submission:

Labcorp Genetics (formerly Invitae), Labcorp
Classification: Uncertain significance for Adult-onset proximal spinal muscular atrophy, autosomal dominant; Amyotrophic lateral sclerosis type 8. Last evaluated: 2025-09-08. Review status: criteria provided, single submitter. Criteria: Invitae Variant Classification Sherloc (09022015). Collection method: clinical testing. Allele origin: germline.
Comment: This sequence change replaces threonine, which is neutral and polar, with arginine, which is basic and polar, at codon 148 of the VAPB protein (p.Thr148Arg). This variant is not present in population databases (gnomAD no frequency). This variant has not been reported in the literature in individuals affected with VAPB-related conditions. ClinVar contains an entry for this variant (Variation ID: 3759812). An algorithm developed to predict the effect of missense changes on protein structure and function (PolyPhen-2) suggests that this variant is likely to be tolerated. In summary, the available evidence is currently insufficient to determine the role of this variant in disease. Therefore, it has been classified as a Variant of Uncertain Significance.